The following is an entry in ClinVar:

NM_024312.5(GNPTAB):c.*1195A>C

Gene: GNPTAB (N-acetylglucosamine-1-phosphate transferase subunits alpha and beta; minus strand). Cytogenetic location: 12q23.2.
Variant type: single nucleotide variant.
Coding change: c.*1195A>C on transcript NM_024312.5 (MANE Select); 1195 bases downstream of the stop codon, A replaced by C.
Molecular consequence: 3 prime UTR variant.
Genome position (GRCh38, 1-based): chr12:101,745,969, T>G on the plus strand (A>C on the coding strand, the complement: GNPTAB is on the minus strand). VCF-style: chr12-101745969-T-G. GRCh37 (hg19) VCF-style: chr12-102139747-T-G.
Identifiers: ClinVar variation 306773 (VCV000306773.6), dbSNP rs112815421, ClinGen allele CA10640623.

ClinVar aggregate classification (germline): Benign. Review status: criteria provided, multiple submitters, no conflicts (2 of 4 stars). 3 submissions from 2 submitters: Benign (3). Last evaluated 2018-01-12.

Conditions:
Mucolipidosis type II. Also called: Mucolipidosis II Alpha/Beta; ML II ALPHA/BETA; Mucolipidosis 2; ML 2; Inclusion cell disease; Leroy Disease. Identifiers: Orphanet 576, MedGen C2673377, MONDO:0009650, OMIM 252500.
Pseudo-Hurler polydystrophy. Also called: MUCOLIPIDOSIS IIIA; ML IIIA; Mucolipidosis III Alpha/Beta; ML III; ML III ALPHA/BETA; Type III Mucolipidosis. Identifiers: Orphanet 423461, Orphanet 577, MedGen C0033788, MONDO:0018931, OMIM 252600.

Allele frequency attached by ClinVar (database versions not stated): gnomAD 0.07590; 1000 Genomes Project 0.07827; 1000 Genomes Project 30x 0.07651; gnomAD exomes 0.08173; TOPMed 0.07476.
gnomAD v4.1: 11,840 of 152,198 alleles (7.8%); highest among the groups gnomAD compares: South Asian, 17%; 493 homozygotes.

Submissions (3):

Illumina Laboratory Services, Illumina
Classification: Benign for Mucolipidosis type II. Last evaluated: 2018-01-12. Review status: criteria provided, single submitter. Criteria: ICSL Variant Classification Criteria 13 December 2019. Collection method: clinical testing. Allele origin: germline.
Comment: This variant was observed in the ICSL laboratory as part of a predisposition screen in an ostensibly healthy population. It had not been previously curated by ICSL or reported in the Human Gene Mutation Database (HGMD: prior to June 1st, 2018), and was therefore a candidate for classification through an automated scoring system. Utilizing variant allele frequency, disease prevalence and penetrance estimates, and inheritance mode, an automated score was calculated to assess if this variant is too frequent to cause the disease. Based on the score and internal cut-off values, a variant classified as benign is not then subjected to further curation. The score for this variant resulted in a classification of benign for this disease.

Illumina Laboratory Services, Illumina
Classification: Benign for Pseudo-Hurler polydystrophy. Last evaluated: 2018-01-12. Review status: criteria provided, single submitter. Criteria: ICSL Variant Classification Criteria 13 December 2019. Collection method: clinical testing. Allele origin: germline.
Comment: the same text as in the submission from Illumina Laboratory Services, Illumina above.

Breakthrough Genomics
Classification: Benign. Review status: criteria provided, single submitter. Criteria: ACMG Guidelines, 2015. Collection method: not provided. Allele origin: germline. Inheritance: Autosomal recessive inheritance. Affected: yes.